The following is an entry in ClinVar:

NM_000384.3(APOB):c.2292T>C (p.Asp764=)

Gene: APOB (apolipoprotein B; minus strand). Cytogenetic location: 2p24.1.
Variant type: single nucleotide variant.
Coding change: c.2292T>C on transcript NM_000384.3 (MANE Select); coding-DNA position 2292, T replaced by C.
Protein change: p.Asp764=; no amino-acid change (aspartic acid 764 retained).
Molecular consequence: synonymous variant.
Genome position (GRCh38, 1-based): chr2:21,025,077, A>G on the plus strand (T>C on the coding strand, the complement: APOB is on the minus strand). VCF-style: chr2-21025077-A-G. GRCh37 (hg19) VCF-style: chr2-21247949-A-G.
Other names: c.2292T>C (NM_000384.2).
Identifiers: ClinVar variation 1097281 (VCV001097281.16), dbSNP rs755092772, ClinGen allele CA055799.

ClinVar aggregate classification (germline): Likely benign. Review status: criteria provided, multiple submitters, no conflicts (2 of 4 stars). 3 submissions from 3 submitters: Likely benign (3). Last evaluated 2026-02-01.

Conditions:
Cardiovascular phenotype. Identifiers: MedGen CN230736.
Familial hypobetalipoproteinemia 1. Also called: APOB-Related Familial Hypobetalipoproteinemia; Hypobetalipoproteinemia, normotriglyceridemic; Acanthocytosis with hypobetalipoproteinemia. Identifiers: MedGen C4551990, MONDO:0014252, OMIM 615558.
Hypercholesterolemia, autosomal dominant, type B (FHCL2). Also called: Familial hypercholesterolemia 2; APOLIPOPROTEIN B-100, FAMILIAL DEFECTIVE; APOLIPOPROTEIN B-100, FAMILIAL LIGAND-DEFECTIVE; Hyperlipoproteinemia Type IIb; HYPERCHOLESTEROLEMIA, FAMILIAL, DUE TO LIGAND-DEFECTIVE APOLIPOPROTEIN B; Familial Hypercholesterolemia Type B. Identifiers: MedGen C1704417, MONDO:0007751, OMIM 144010.

Allele frequency attached by ClinVar (database versions not stated): gnomAD exomes below 0.00001 and 0.00001; ExAC 0.00001; gnomAD 0.00001; TOPMed 0.00001.
gnomAD v4.1: 7 of 1,614,110 alleles (0.00043%); highest among the groups gnomAD compares: Non-Finnish European, 0.00042%; no homozygotes.

Submissions (3):

CeGaT Center for Human Genetics Tuebingen
Classification: Likely benign. Last evaluated: 2026-02-01. Review status: criteria provided, single submitter. Criteria: CeGaT Center For Human Genetics Tuebingen Variant Classification Criteria Version 2. Collection method: clinical testing. Allele origin: germline. Affected: yes. Observed: 1 variant allele.
Comment: APOB: BP4, BP7

Labcorp Genetics (formerly Invitae), Labcorp
Classification: Likely benign for Familial hypobetalipoproteinemia 1; Hypercholesterolemia, autosomal dominant, type B. Last evaluated: 2024-08-14. Review status: criteria provided, single submitter. Criteria: Invitae Variant Classification Sherloc (09022015). Collection method: clinical testing. Allele origin: germline.

Ambry Genetics
Classification: Likely benign for Cardiovascular phenotype. Last evaluated: 2023-11-09. Review status: criteria provided, single submitter. Criteria: Ambry Variant Classification Scheme 2023. Collection method: clinical testing. Allele origin: germline.